The following is an entry in ClinVar:

ClinVar aggregate classification (germline): Likely pathogenic (1 of 4 stars; one submission).

Conditions:
Cockayne syndrome type 2 (CSB). Also called: COCKAYNE SYNDROME B; Cockayne Syndrome, Type II. Identifiers: Orphanet 191, Orphanet 90322, MedGen C0751038, MONDO:0019570, OMIM 133540.

Submission:

Myriad Genetics, Inc.
Classification: Likely pathogenic for Cockayne syndrome type 2. Last evaluated: 2022-05-20. Review status: criteria provided, single submitter. Criteria: Myriad Women's Health Autosomal Recessive and X-Linked Classification Criteria (2021). Collection method: clinical testing. Allele origin: unknown.
Comment: NM_000124.2(ERCC6):c.3623_3624insTG(S1209Afs*19) is expected to be pathogenic in the context of ERCC6-related disorders. This variant is predicted to lead to an abnormal or absent protein product due to the creation of a premature termination codon in ERCC6, a gene where loss-of-function variants are known to be pathogenic. Please note: this variant was assessed in the context of healthy population screening.

NM_000124.4(ERCC6):c.3623_3624insTG (p.Ser1209fs)

Gene: ERCC6 (ERCC excision repair 6, chromatin remodeling factor; minus strand). Cytogenetic location: 10q11.23.
Variant type: Insertion.
Coding change: c.3623_3624insTG on transcript NM_000124.4 (MANE Select); coding-DNA positions 3623 to 3624, TG inserted.
Protein change: p.Ser1209fs; shifts the reading frame from serine 1209.
Molecular consequence: frameshift variant.
Genome position: GRCh38 VCF-style: chr10-49470336-G-GCA. GRCh37 (hg19) VCF-style: chr10-50678382-G-GCA.
Other names: c.3623_3624insTG, p.Ser1209fs (NM_001346440.2); short protein forms S1209fs.
Identifiers: ClinVar variation 1726183 (VCV001726183.2), dbSNP rs2495971049, ClinGen allele CA2580081537.